The following is an entry in ClinVar:

ClinVar aggregate classification (germline): Uncertain significance (1 of 4 stars; one submission).

Conditions:
Developmental and epileptic encephalopathy, 23 (DEE23). Also called: Epileptic encephalopathy, early infantile, 23. Identifiers: Orphanet 411986, MedGen C4014492, MONDO:0014371, OMIM 615859.

Allele frequency attached by ClinVar (database versions not stated): TOPMed below 0.00001; gnomAD 0.00001; gnomAD exomes 0.00001; ExAC 0.00002.
gnomAD v4.1: 8 of 1,612,578 alleles (0.0005%); highest among the groups gnomAD compares: Non-Finnish European, 0.00068%; no homozygotes.

Submission:

Center for Genomics, Ann and Robert H. Lurie Children's Hospital of Chicago
Classification: Uncertain significance for Developmental and epileptic encephalopathy, 23. Last evaluated: 2022-12-12. Review status: criteria provided, single submitter. Criteria: ACMG Guidelines, 2015. Collection method: clinical testing. Allele origin: germline.
Comment: This variant has not been reported in the literature but is present in the Genome Aggregation Database (Highest reported MAF 0.001% [1/68014]). Evolutionary conservation and computational prediction tools suggest that this variant may not impact the protein. In summary, data on this variant is insufficient for disease classification. Therefore, the clinical significance of this variant is uncertain.

NM_001367561.1(DOCK7):c.3743T>C (p.Ile1248Thr)

Gene: DOCK7 (dedicator of cytokinesis 7; minus strand). Cytogenetic location: 1p31.3.
Variant type: single nucleotide variant.
Coding change: c.3743T>C on transcript NM_001367561.1 (MANE Select); coding-DNA position 3743, T replaced by C.
Protein change: p.Ile1248Thr; replaces isoleucine 1248 with threonine.
Molecular consequence: missense variant.
Genome position (GRCh38, 1-based): chr1:62,529,315, A>G on the plus strand (T>C on the coding strand, the complement: DOCK7 is on the minus strand). VCF-style: chr1-62529315-A-G. GRCh37 (hg19) VCF-style: chr1-62994986-A-G.
Other names: c.3743T>C, p.Ile1248Thr (NM_001271999.2, NM_001330614.2); c.3650T>C, p.Ile1217Thr (NM_001272000.2, NM_001272001.2, NM_033407.4); short protein forms I1217T, I1248T.
Identifiers: ClinVar variation 2500021 (VCV002500021.1), dbSNP rs552981892, ClinGen allele CA885906.